The following is an entry in ClinVar:

ClinVar aggregate classification (germline): Uncertain significance (1 of 4 stars; one submission).

Conditions:
Pheochromocytoma. Also called: MAX-Related Hereditary Paraganglioma-Pheochromocytoma Syndrome. Identifiers: Orphanet 29072, MedGen C0031511, MONDO:0008233, OMIM 171300, HP:0002666.
Paragangliomas with sensorineural hearing loss. Identifiers: MedGen C1868633.
Carney-Stratakis syndrome. Also called: PARAGANGLIOMA AND GASTROINTESTINAL STROMAL TUMOR. Identifiers: Orphanet 97286, MedGen C1847319, MONDO:0011740, OMIM 606864.
Cowden syndrome 3 (CWS3). Identifiers: Orphanet 201, MedGen CN166604, MONDO:0014045.

Submission:

Labcorp Genetics (formerly Invitae), Labcorp
Classification: Uncertain significance for Carney-Stratakis syndrome; Paragangliomas with sensorineural hearing loss; Pheochromocytoma; Cowden syndrome 3. Last evaluated: 2019-01-26. Review status: criteria provided, single submitter. Criteria: Invitae Variant Classification Sherloc (09022015). Collection method: clinical testing. Allele origin: germline.
Comment: In summary, the available evidence is currently insufficient to determine the role of this variant in disease. Therefore, it has been classified as a Variant of Uncertain Significance. Algorithms developed to predict the effect of sequence changes on RNA splicing suggest that this variant may create or strengthen a splice site, but this prediction has not been confirmed by published transcriptional studies. Algorithms developed to predict the effect of missense changes on protein structure and function output the following: SIFT: "Tolerated"; PolyPhen-2: "Benign"; Align-GVGD: "Class C0". The serine amino acid residue is found in multiple mammalian species, suggesting that this missense change does not adversely affect protein function. These predictions have not been confirmed by published functional studies and their clinical significance is uncertain. This variant has not been reported in the literature in individuals with SDHD-related conditions. This variant is not present in population databases (ExAC no frequency). This sequence change replaces glycine with serine at codon 58 of the SDHD protein (p.Gly58Ser). The glycine residue is moderately conserved and there is a small physicochemical difference between glycine and serine.

NM_003002.4(SDHD):c.172G>A (p.Gly58Ser)

Gene: SDHD (succinate dehydrogenase complex subunit D; plus strand). Cytogenetic location: 11q23.1.
Variant type: single nucleotide variant.
Coding change: c.172G>A on transcript NM_003002.4 (MANE Select); coding-DNA position 172, G replaced by A.
Protein change: p.Gly58Ser; replaces glycine 58 with serine.
Molecular consequence: missense variant. On other transcripts: non-coding transcript variant (1), intron variant (1).
Genome position (GRCh38, 1-based): chr11:112,088,869, G>A. VCF-style: chr11-112088869-G-A. GRCh37 (hg19) VCF-style: chr11-111959593-G-A.
Other names: c.55G>A, p.Gly19Ser (NM_001276504.2); c.172G>A, p.Gly58Ser (NM_001276506.2); c.169+896G>A (NM_001276503.2); short protein forms G19S, G58S.
Identifiers: ClinVar variation 859430 (VCV000859430.11), dbSNP rs1865684789, ClinGen allele CA382617155.